The following is an entry in ClinVar:

NM_000275.3(OCA2):c.1948del (p.Gly651fs)

Gene: OCA2 (OCA2 melanosomal transmembrane protein; minus strand). Cytogenetic location: 15q13.1.
Variant type: Deletion.
Coding change: c.1948del on transcript NM_000275.3 (MANE Select); coding-DNA position 1948, one base deleted (C; older notation c.1948delC).
Protein change: p.Gly651fs; shifts the reading frame from glycine 651.
Molecular consequence: frameshift variant.
Genome position (GRCh38, 1-based): chr15:27,951,787, G deleted on the plus strand (C on the coding strand, the reverse complement: OCA2 is on the minus strand). VCF-style (leftmost placement, unchanged base first): chr15-27951786-AG-A. GRCh37 (hg19) VCF-style: chr15-28196932-AG-A.
Other names: c.1876del, p.Gly627fs (NM_001300984.2); short protein forms G651fs, G627fs.
Identifiers: ClinVar variation 4991393 (VCV004991393.1).

ClinVar aggregate classification (germline): Likely pathogenic (1 of 4 stars; one submission).

Conditions:
OCA2-related disorder. Also called: OCA2-related condition.

Submission:

PreventionGenetics, part of Exact Sciences
Classification: Likely pathogenic for OCA2-related condition. Last evaluated: 2025-09-04. Review status: criteria provided, single submitter. Criteria: ACMG Guidelines, 2015. Collection method: clinical testing. Allele origin: germline.
Comment: The OCA2 c.1948delC variant is predicted to result in a frameshift and premature protein termination (p.Gly651Aspfs*12). To our knowledge, this variant has not been reported in the literature. This variant is absent in a large population database (gnomAD), indicating this variant is rare. Frameshift variants in OCA2 are an established mechanism of disease. This variant is interpreted as likely pathogenic.